The following is an entry in ClinVar:

NM_020831.6(MRTFA):c.1027C>T (p.Pro343Ser)

Gene: MRTFA (myocardin related transcription factor A; minus strand). Cytogenetic location: 22q13.1.
Variant type: single nucleotide variant.
Coding change: c.1027C>T on transcript NM_020831.6 (MANE Select); coding-DNA position 1027, C replaced by T.
Protein change: p.Pro343Ser; replaces proline 343 with serine.
Molecular consequence: missense variant.
Genome position (GRCh38, 1-based): chr22:40,421,001, G>A on the plus strand (C>T on the coding strand, the complement: MRTFA is on the minus strand). VCF-style: chr22-40421001-G-A. GRCh37 (hg19) VCF-style: chr22-40817005-G-A.
Other names: c.727C>T, p.Pro243Ser (NM_001282660.2); c.877C>T, p.Pro293Ser (NM_001282661.3); c.1027C>T, p.Pro343Ser (NM_001282662.3); c.832C>T, p.Pro278Ser (NM_001318139.2); short protein forms P243S, P293S, P278S, P343S.
Identifiers: ClinVar variation 2874709 (VCV002874709.3), dbSNP rs2052825897, ClinGen allele CA411664422.
Genomic context (GRCh38, chr22:40,421,001, plus strand): 5'-GGATCTTGGCGTAGGATGAGTCCATGGGGGGTGCCCCCCTGTCCTGCTTCTGGTCCGGGG[G>A]GATGTACTGGTGGTACTTGAGCTTCTTCACCTTTGGCTTCAGCTCCTTGGCCTTCTTGCT-3'
Protein context (NP_065882.2, residues 333-353): VKKLKYHQYI[Pro343Ser]PDQKQDRGAP

ClinVar aggregate classification (germline): Uncertain significance (1 of 4 stars; one submission).

Allele frequency attached by ClinVar (database versions not stated): gnomAD exomes below 0.00001; TOPMed below 0.00001; gnomAD 0.00001.
gnomAD v4.1: 4 of 1,604,544 alleles (0.00025%); highest among the groups gnomAD compares: Admixed American, 0.0034%; no homozygotes.

Submission:

Labcorp Genetics (formerly Invitae), Labcorp
Classification: Uncertain significance. Last evaluated: 2024-06-20. Review status: criteria provided, single submitter. Criteria: Invitae Variant Classification Sherloc (09022015). Collection method: clinical testing. Allele origin: germline.
Comment: This sequence change replaces proline, which is neutral and non-polar, with serine, which is neutral and polar, at codon 243 of the MKL1 protein (p.Pro243Ser). This variant is not present in population databases (gnomAD no frequency). This variant has not been reported in the literature in individuals affected with MKL1-related conditions. An algorithm developed to predict the effect of missense changes on protein structure and function (PolyPhen-2) suggests that this variant is likely to be disruptive. In summary, the available evidence is currently insufficient to determine the role of this variant in disease. Therefore, it has been classified as a Variant of Uncertain Significance.